The following is an entry in ClinVar:

ClinVar aggregate classification (germline): Uncertain significance (1 of 4 stars; one submission).

Conditions:
Cardiovascular phenotype. Identifiers: MedGen CN230736.

Submission:

Ambry Genetics
Classification: Uncertain significance for Cardiovascular phenotype. Last evaluated: 2025-09-15. Review status: criteria provided, single submitter. Criteria: Ambry Variant Classification Scheme 2023. Collection method: clinical testing. Allele origin: germline.
Comment: The c.908+4A>G intronic variant results from an A to G substitution 4 nucleotides after coding exon 10 in the MYBPC3 gene. This nucleotide position is highly conserved in available vertebrate species. In silico splice site analysis predicts that this alteration will weaken the native splice donor site. Based on the available evidence, the clinical significance of this variant remains unclear.

NM_000256.3(MYBPC3):c.908+4A>G

Gene: MYBPC3 (myosin binding protein C3; minus strand). Cytogenetic location: 11p11.2.
Variant type: single nucleotide variant.
Coding change: c.908+4A>G on transcript NM_000256.3 (MANE Select); 4 bases into the intron after coding-DNA position 908, A replaced by G.
Molecular consequence: intron variant.
Genome position (GRCh38, 1-based): chr11:47,347,023, T>C on the plus strand (A>G on the coding strand, the complement: MYBPC3 is on the minus strand). VCF-style: chr11-47347023-T-C. GRCh37 (hg19) VCF-style: chr11-47368574-T-C.
Identifiers: ClinVar variation 4614574 (VCV004614574.1).
Genomic context (GRCh38, chr11:47,347,023, plus strand): 5'-CGGGAATCCCCTCTGCACCCACCAGCGCCCTGCCGCCCCCAAACACCCAGACCCCGATTC[T>C]TACTCTCTGGGCCACAGCAGCAGCAGCCATAATGGAGGGGCCGGGGGAGAGGGAGAGAGA-3'